The following is an entry in ClinVar:

NM_005422.4(TECTA):c.5699A>G (p.Tyr1900Cys)

Genes: TBCEL-TECTA (TBCEL-TECTA readthrough; plus strand), TECTA (tectorin alpha; plus strand). Cytogenetic location: 11q23.3.
Variant type: single nucleotide variant.
Coding change: c.5699A>G on transcript NM_005422.4 (MANE Select); coding-DNA position 5699, A replaced by G.
Protein change: p.Tyr1900Cys; replaces tyrosine 1900 with cysteine.
Molecular consequence: missense variant.
Genome position (GRCh38, 1-based): chr11:121,168,166, A>G. VCF-style: chr11-121168166-A-G. GRCh37 (hg19) VCF-style: chr11-121038875-A-G.
Other names: c.6641A>G, p.Tyr2214Cys (NM_001378761.1); short protein forms Y1900C, Y2214C.
Identifiers: ClinVar variation 3340754 (VCV003340754.1).

ClinVar aggregate classification (germline): Uncertain significance (1 of 4 stars; one submission).

Submission:

GeneDx
Classification: Uncertain significance. Last evaluated: 2023-12-14. Review status: criteria provided, single submitter. Criteria: GeneDx Variant Classification Process June 2021. Collection method: clinical testing. Allele origin: germline. Affected: yes.
Comment: Identified in a patient with bilateral sensorineural hearing loss who inherited the variant from an affected parent (PMID: 28946916); Not observed at significant frequency in large population cohorts (gnomAD); In silico analysis supports that this missense variant has a deleterious effect on protein structure/function; This variant is associated with the following publications: (PMID: 16718611, 21520338, 31554319, 9590290, 28946916)